The following is an entry in ClinVar:

NM_004239.4(TRIP11):c.757C>T (p.Arg253Ter)

Gene: TRIP11 (thyroid hormone receptor interactor 11; minus strand). Cytogenetic location: 14q32.12.
Variant type: single nucleotide variant.
Coding change: c.757C>T on transcript NM_004239.4 (MANE Select); coding-DNA position 757, C replaced by T.
Protein change: p.Arg253Ter; replaces arginine 253 with a stop codon.
Molecular consequence: nonsense.
Genome position (GRCh38, 1-based): chr14:92,015,762, G>A on the plus strand (C>T on the coding strand, the complement: TRIP11 is on the minus strand). VCF-style: chr14-92015762-G-A. GRCh37 (hg19) VCF-style: chr14-92482106-G-A.
Other names: c.754C>T, p.Arg252Ter (NM_001321851.1); short protein forms R252*, R253*.
Identifiers: ClinVar variation 2635180 (VCV002635180.2), dbSNP rs981921410, ClinGen allele CA265620735.

ClinVar aggregate classification (germline): Pathogenic. Review status: criteria provided, single submitter (1 of 4 stars). 2 submissions from 2 submitters: Pathogenic (1). 1 of the submissions does not count toward it. Last evaluated 2022-12-02.

Conditions:
TRIP11-related disorder. Also called: TRIP11-related condition; TRIP11-Related Disorders.
Achondrogenesis, type IA (ACG1A). Identifiers: Orphanet 932, Orphanet 93299, MedGen C0265273, MONDO:0008701, OMIM 200600.

Allele frequency attached by ClinVar (database versions not stated): gnomAD exomes below 0.00001.

Submissions (2):

PreventionGenetics, part of Exact Sciences
Classification: Pathogenic for TRIP11-related condition. Last evaluated: 2022-12-02. Review status: criteria provided, single submitter. Criteria: ACMG Guidelines, 2015. Collection method: clinical testing. Allele origin: germline.
Comment: The TRIP11 c.757C>T variant is predicted to result in premature protein termination (p.Arg253*). Both variants were confirmed to be on opposite alleles. (Patient 3; Grigelioniene et al. 2013. PubMed ID: 23956106). It was also seen, apparently homozygous, in a fetus with US findings showing rhizomelia, non-isolated increased nuchal translucency, and subsequent in-utero fetal demise (Patient PP3174, Table 1, Mellis et al. 2021. PubMed ID: 34411415). This variant is reported in 0.00088% of alleles in individuals of European (Non-Finnish) descent in gnomAD. Nonsense variants in TRIP11 are expected to be pathogenic. This variant is interpreted as pathogenic.

Dr.Nikuei Genetic Center
Classification: Likely pathogenic for Achondrogenesis, type IA. Review status: no assertion criteria provided. Collection method: clinical testing. Allele origin: germline. Inheritance: Autosomal recessive inheritance. Affected: yes. Observed: 1 homozygote. Not counted in ClinVar's aggregate classification.